The following is an entry in ClinVar:

NM_033380.3(COL4A5):c.711_716del (p.Gly239_Pro240del)

Gene: COL4A5 (collagen type IV alpha 5 chain; plus strand). Cytogenetic location: Xq22.3.
Variant type: Deletion.
Coding change: c.711_716del on transcript NM_033380.3 (MANE Select); coding-DNA positions 711 to 716, 6 bases deleted (ACCTGG; older notation c.711_716delACCTGG).
Protein change: p.Gly239_Pro240del.
Molecular consequence: inframe deletion.
Genome position (GRCh38, 1-based): chrX:108,578,314-108,578,319, ACCTGG deleted. VCF-style (leftmost placement, unchanged base first): chrX-108578313-CACCTGG-C. GRCh37 (hg19) VCF-style: chrX-107821543-CACCTGG-C.
Other names: c.711_716del, p.Gly239_Pro240del (NM_000495.5).
Identifiers: ClinVar variation 1709954 (VCV001709954.2), dbSNP rs2524236030, ClinGen allele CA2580100186.
Genomic context (GRCh38, chrX:108,578,313, plus strand): 5'-TGAAGTATCACCACTGTCTTATTTTATCTTGCAAACAGGGTGAGCAAGGTCTTCAGGGCC[CACCTGG>C]GCCACCTGGGCAGATCAGTGAACAGAAAAGACCAATTGATGTAGAGTTTCAGAAAGGAGA-3'

ClinVar aggregate classification (germline): Likely pathogenic (1 of 4 stars; one submission).

Conditions:
X-linked Alport syndrome (ATS1). Also called: NEPHROPATHY AND DEAFNESS, X-LINKED; COL4A5-Related Nephropathy. Identifiers: Orphanet 63, Orphanet 88917, MedGen C4746986, MONDO:0010520, OMIM 301050.

Submission:

MGZ Medical Genetics Center
Classification: Likely pathogenic for X-linked Alport syndrome. Last evaluated: 2021-09-07. Review status: criteria provided, single submitter. Criteria: ACMG Guidelines, 2015. Collection method: clinical testing. Allele origin: germline. Affected: yes. Observed: 1 variant allele.
Comment: ACMG criteria applied: PM1_STR, PM4, PM2_SUP, PP4